The following is an entry in ClinVar:

ClinVar aggregate classification (germline): Uncertain significance (1 of 4 stars; one submission).

Allele frequency attached by ClinVar (database versions not stated): gnomAD exomes 0.00004 and 0.00006; gnomAD 0.00006; TOPMed 0.00007; ExAC 0.00009.
gnomAD v4.1: 68 of 1,551,548 alleles (0.0044%); highest among the groups gnomAD compares: South Asian, 0.012%; no homozygotes.

Submission:

Labcorp Genetics (formerly Invitae), Labcorp
Classification: Uncertain significance. Last evaluated: 2022-08-09. Review status: criteria provided, single submitter. Criteria: Invitae Variant Classification Sherloc (09022015). Collection method: clinical testing. Allele origin: germline.
Comment: This sequence change replaces arginine, which is basic and polar, with glutamine, which is neutral and polar, at codon 2826 of the UNC80 protein (p.Arg2826Gln). This variant is present in population databases (rs568007245, gnomAD 0.01%). This variant has not been reported in the literature in individuals affected with UNC80-related conditions. ClinVar contains an entry for this variant (Variation ID: 1445646). Algorithms developed to predict the effect of missense changes on protein structure and function are either unavailable or do not agree on the potential impact of this missense change (SIFT: "Not Available"; PolyPhen-2: "Probably Damaging"; Align-GVGD: "Not Available"). In summary, the available evidence is currently insufficient to determine the role of this variant in disease. Therefore, it has been classified as a Variant of Uncertain Significance.

NM_001371986.1(UNC80):c.8675G>A (p.Arg2892Gln)

Gene: UNC80 (unc-80 homolog, NALCN channel complex subunit; plus strand). Cytogenetic location: 2q34.
Variant type: single nucleotide variant.
Coding change: c.8675G>A on transcript NM_001371986.1 (MANE Select); coding-DNA position 8675, G replaced by A.
Protein change: p.Arg2892Gln; replaces arginine 2892 with glutamine.
Molecular consequence: missense variant.
Genome position (GRCh38, 1-based): chr2:209,976,206, G>A. VCF-style: chr2-209976206-G-A. GRCh37 (hg19) VCF-style: chr2-210840930-G-A.
Other names: c.8477G>A, p.Arg2826Gln (NM_032504.2); c.8462G>A, p.Arg2821Gln (NM_182587.4); short protein forms R2821Q, R2892Q, R2826Q.
Identifiers: ClinVar variation 1445646 (VCV001445646.3), dbSNP rs568007245, ClinGen allele CA2083588.